The following is an entry in ClinVar:

ClinVar aggregate classification (germline): Likely pathogenic. Review status: criteria provided, multiple submitters, no conflicts (2 of 4 stars). 2 submissions from 2 submitters: Likely pathogenic (2). Last evaluated 2025-10-23.

Conditions:
Becker muscular dystrophy (BMD). Also called: MUSCULAR DYSTROPHY, PSEUDOHYPERTROPHIC PROGRESSIVE, BECKER TYPE; Becker Muscular Dystrophy (BMD). Identifiers: Orphanet 98895, MedGen C0917713, MONDO:0010311, OMIM 300376.

Submissions (2):

Institute of Human Genetics, University of Leipzig Medical Center
Classification: Likely pathogenic for Becker muscular dystrophy. Last evaluated: 2025-10-23. Review status: criteria provided, single submitter. Criteria: ACMG Guidelines, 2015. Collection method: clinical testing. Allele origin: maternal. Inheritance: X-linked recessive inheritance. Affected: yes.
Comment: Criteria applied: PVS1_STR,PM2,PS4_SUP

Victorian Clinical Genetics Services, Murdoch Childrens Research Institute
Classification: Likely pathogenic for Becker muscular dystrophy. Last evaluated: 2023-12-21. Review status: criteria provided, single submitter. Criteria: ACMG Guidelines, 2015. Collection method: clinical testing. Allele origin: germline. Inheritance: X-linked recessive inheritance. Affected: yes.
Comment: Based on the classification scheme VCGS_Germline_v1.3.4, this variant is classified as Likely pathogenic. Following criteria are met: 0102 - Loss of function is a known mechanism of disease in this gene and is associated with Becker muscular dystrophy (MIM#300376), XLR; Duchenne muscular dystrophy (MIM#310200), XLR and dilated cardiomyopathy 3B (MIM#302045), XL. (I) 0109 - This gene is associated with X-linked recessive disease. This gene is primarily associated with X-linked recessive disease relating to the muscular dystrophy phenotypes; however, it is also associated with X-linked dilated cardiomyopathy in heterozygous females (OMIM, GeneReviews, PMID: 26066469). (I) 0211 - Canonical splice site variant without proven consequence on splicing (no functional evidence available). (SP) 0253 - This variant is hemizygous.(I) 0301 - Variant is absent from gnomAD (both v2 and v3). (SP) 0505 - Abnormal splicing is predicted by in silico tools and affected nucleotide is highly conserved. (SP) 0704 - Another splice region variant comparable to the one identified in this case has limited previous evidence for pathogenicity. RT-PCR studies were suggestive of aberrant splicing. (SP) 0807 - This variant has no previous evidence of pathogenicity. (I) 0905 - No published segregation evidence has been identified for this variant. (I) 1007 - No published functional evidence has been identified for this variant. (I) Legend: (SP) - Supporting pathogenic, (I) - Information, (SB) - Supporting benign

Literature cited by the submitters: PubMed 20485447 (cited by Victorian Clinical Genetics Services, Murdoch Childrens Research Institute); PubMed 26066469 (cited by Victorian Clinical Genetics Services, Murdoch Childrens Research Institute).

NM_004006.3(DMD):c.6117+1G>T

Gene: DMD (dystrophin; minus strand). Cytogenetic location: Xp21.1.
Variant type: single nucleotide variant.
Coding change: c.6117+1G>T on transcript NM_004006.3 (MANE Select); the canonical splice donor site of the intron after coding-DNA position 6117, G replaced by T.
Molecular consequence: splice donor variant.
Genome position (GRCh38, 1-based): chrX:32,310,081, C>A on the plus strand (G>T on the coding strand, the complement: DMD is on the minus strand). VCF-style: chrX-32310081-C-A. GRCh37 (hg19) VCF-style: chrX-32328198-C-A.
Other names: c.6093+1G>T (NM_000109.4); c.2094+1G>T (NM_004011.4); c.2085+1G>T (NM_004012.4); c.6105+1G>T (NM_004009.3); c.5748+1G>T (NM_004010.3).
Identifiers: ClinVar variation 3254563 (VCV003254563.2), dbSNP rs2520265920.
Genomic context (GRCh38, chrX:32,310,081, plus strand): 5'-GCACTATGAATGATCAGTATGATCACCTTGTAAAATACGAATGAAAGTGCTTTGGTTTTA[C>A]CTTCAGAGACTCCTCTTGCTTAAAGAGATCTTCAAAGTCCTTAGCACAGAGGTCAGGAGC-3'